The following is an entry in ClinVar:

ClinVar aggregate classification (germline): Uncertain significance (1 of 4 stars; one submission).

Conditions:
Cardiovascular phenotype. Identifiers: MedGen CN230736.

Allele frequency attached by ClinVar (database versions not stated): gnomAD 0.00001; gnomAD exomes below 0.00001; TOPMed below 0.00001.
gnomAD v4.1: 3 of 1,613,434 alleles (0.00019%); highest among the groups gnomAD compares: East Asian, 0.0022%; no homozygotes.

Submission:

Ambry Genetics
Classification: Uncertain significance for Cardiovascular phenotype. Last evaluated: 2020-07-31. Review status: criteria provided, single submitter. Criteria: Ambry Variant Classification Scheme 2023. Collection method: clinical testing. Allele origin: germline.
Comment: The p.V14111I variant (also known as c.42331G>A), located in coding exon 152 of the TTN gene, results from a G to A substitution at nucleotide position 42331. The valine at codon 14111 is replaced by isoleucine, an amino acid with highly similar properties. This amino acid position is not well conserved in available vertebrate species, and isoleucine is the reference amino acid in other vertebrate species. In addition, this alteration is predicted to be tolerated by in silico analysis. Since supporting evidence is limited at this time, the clinical significance of this alteration remains unclear.

NM_001267550.2(TTN):c.69526G>A (p.Val23176Ile)

Genes: TTN (titin; minus strand), TTN-AS1 (TTN antisense RNA 1; plus strand). Cytogenetic location: 2q31.2.
Variant type: single nucleotide variant.
Coding change: c.69526G>A on transcript NM_001267550.2 (MANE Select); coding-DNA position 69526, G replaced by A.
Protein change: p.Val23176Ile; replaces valine 23176 with isoleucine.
Molecular consequence: missense variant.
Genome position (GRCh38, 1-based): chr2:178,576,718, C>T on the plus strand (G>A on the coding strand, the complement: TTN is on the minus strand). VCF-style: chr2-178576718-C-T. GRCh37 (hg19) VCF-style: chr2-179441445-C-T.
Other names: c.64603G>A, p.Val21535Ile (NM_001256850.1); c.42331G>A, p.Val14111Ile (NM_003319.4); c.61822G>A, p.Val20608Ile (NM_133378.4); c.42706G>A, p.Val14236Ile (NM_133432.3); c.42907G>A, p.Val14303Ile (NM_133437.4); short protein forms V14236I, V14111I, V14303I, V21535I, V23176I, V20608I.
Identifiers: ClinVar variation 1738926 (VCV001738926.2), dbSNP rs1413591624, ClinGen allele CA349667724.
Genomic context (GRCh38, chr2:178,576,718, plus strand): 5'-CGGAAACTGGTGTTTTTATTGCTCTCACCCATCGCAGGCTTTTCTTTTCTCTCCTTTCTA[C>T]ATGATATCCTGTAATTTCGCTGCCACCATCATCCACTGGCCTTTTCCAGCTGACAGTGGC-3'
Protein context (NP_001254479.2, residues 23166-23186): DGGSEITGYH[Val23176Ile]ERREKKSLRW